The following is an entry in ClinVar:

NM_001243133.2(NLRP3):c.1625C>T (p.Thr542Met)

Gene: NLRP3 (NLR family pyrin domain containing 3; plus strand). Cytogenetic location: 1q44.
Variant type: single nucleotide variant.
Coding change: c.1625C>T on transcript NM_001243133.2 (MANE Select); coding-DNA position 1625, C replaced by T.
Protein change: p.Thr542Met; replaces threonine 542 with methionine.
Molecular consequence: missense variant.
Genome position (GRCh38, 1-based): chr1:247,425,074, C>T. VCF-style: chr1-247425074-C-T. GRCh37 (hg19) VCF-style: chr1-247588376-C-T.
Other names: c.1625C>T, p.Thr542Met (NM_001079821.3, NM_001127461.3, NM_001127462.3 and 1 more transcripts); c.1631C>T, p.Thr544Met (NM_004895.5); short protein forms T544M, T542M.
Identifiers: ClinVar variation 418133 (VCV000418133.14), dbSNP rs199856287, ClinGen allele CA1495043.

ClinVar aggregate classification (germline): Conflicting classifications of pathogenicity. Review status: criteria provided, conflicting classifications (1 of 4 stars). 4 submissions from 4 submitters: Uncertain significance (3); Likely benign (1). Last evaluated 2025-11-27.

Conditions:
Chronic infantile neurological, cutaneous and articular syndrome (CINCA). Also called: CINCA syndrome; CHRONIC NEUROLOGIC CUTANEOUS AND ARTICULAR SYNDROME; Prieur Griscelli syndrome; CRYOPYRIN-ASSOCIATED PERIODIC SYNDROME 3. Identifiers: Orphanet 1451, MedGen C0409818, MONDO:0011776, OMIM 607115.
Keratitis fugax hereditaria. Also called: KERATOENDOTHELIITIS FUGAX HEREDITARIA. Identifiers: Orphanet 647815, MedGen C1835697, MONDO:0007849, OMIM 148200.
Hearing loss, autosomal dominant 34, with or without inflammation. Also called: DEAFNESS, AUTOSOMAL DOMINANT 34, WITH OR WITHOUT INFLAMMATION. Identifiers: MedGen C4521680, MONDO:0033261, OMIM 617772.
Familial amyloid nephropathy with urticaria AND deafness (MWS). Also called: UDA SYNDROME; URTICARIA-DEAFNESS-AMYLOIDOSIS SYNDROME; MUCKLE-WELLS SYNDROME; Urticaria, deafness and amyloidosis; CRYOPYRIN-ASSOCIATED PERIODIC SYNDROME 2. Identifiers: Orphanet 575, MedGen C0268390, MONDO:0008633, OMIM 191900.
Familial cold autoinflammatory syndrome 1 (FCAS1). Also called: CRYOPYRIN-ASSOCIATED PERIODIC SYNDROME 1; Familial cold inflammatory syndrome 1. Identifiers: Orphanet 47045, MedGen C4551895, MONDO:0007349, OMIM 120100.
Cryopyrin associated periodic syndrome (CAPS). Identifiers: Orphanet 208650, MedGen C2316212, MONDO:0016168.

Allele frequency attached by ClinVar (database versions not stated): ExAC 0.00001; gnomAD exomes 0.00002 and 0.00005; gnomAD 0.00003 and 0.00004; TOPMed 0.00005.
gnomAD v4.1: 78 of 1,614,022 alleles (0.0048%); highest among the groups gnomAD compares: Middle Eastern, 0.016%; no homozygotes.

Submissions (4):

Labcorp Genetics (formerly Invitae), Labcorp
Classification: Uncertain significance for Cryopyrin associated periodic syndrome. Last evaluated: 2025-11-27. Review status: criteria provided, single submitter. Criteria: Invitae Variant Classification Sherloc (09022015). Collection method: clinical testing. Allele origin: germline.
Comment: This sequence change replaces threonine, which is neutral and polar, with methionine, which is neutral and non-polar, at codon 544 of the NLRP3 protein (p.Thr544Met). This variant is present in population databases (rs199856287, gnomAD 0.004%). This missense change has been observed in individual(s) with clinical features of cryopyrin-associated periodic syndrome (PMID: 25417688, 25979514). ClinVar contains an entry for this variant (Variation ID: 418133). Invitae Evidence Modeling of protein sequence and biophysical properties (such as structural, functional, and spatial information, amino acid conservation, physicochemical variation, residue mobility, and thermodynamic stability) indicates that this missense variant is not expected to disrupt NLRP3 protein function with a negative predictive value of 95%. In summary, the available evidence is currently insufficient to determine the role of this variant in disease. Therefore, it has been classified as a Variant of Uncertain Significance.

Clinical Genomics Laboratory, Washington University in St. Louis
Classification: Uncertain significance for Chronic infantile neurological, cutaneous and articular syndrome. Last evaluated: 2024-04-10. Review status: criteria provided, single submitter. Criteria: ACMG Guidelines, 2015. Collection method: clinical testing. Allele origin: germline.
Comment: The NLRP3 c.1625C>T (p.Thr542Met) variant has been observed in an individual with atypical cryopyrin-associated periodic syndrome (Berman N et al., PMID: 25417688). This variant is only observed on 5/251,286 alleles in the general population (gnomAD v.2.1.1), indicating it is not a common variant. Computational predictors indicate that the variant is damaging, evidence that correlates with impact to NLRP3 function. This variant resides within the nucleotide binding domain where the majority of pathogenic variants cluster (Sarrabay G et al., PMID: 25979514). This variant has been reported in the ClinVar database as a germline variant of uncertain significance by three submitters. Due to limited information, and based on ACMG/AMP guidelines for variant interpretation (Richards S et al., PMID: 25741868), the clinical significance of this variant is uncertain at this time.

Fulgent Genetics
Classification: Likely benign for Familial cold autoinflammatory syndrome 1; Keratitis fugax hereditaria; Familial amyloid nephropathy with urticaria AND deafness; Chronic infantile neurological, cutaneous and articular syndrome; Hearing loss, autosomal dominant 34, with or without inflammation. Last evaluated: 2024-02-24. Review status: criteria provided, single submitter. Criteria: ACMG Guidelines, 2015. Collection method: clinical testing. Allele origin: germline.

GeneDx
Classification: Uncertain significance. Last evaluated: 2018-10-17. Review status: criteria provided, single submitter. Criteria: GeneDx Variant Classification (06012015). Collection method: clinical testing. Allele origin: germline. Affected: yes.
Comment: The T544M variant in the NLRP3 gene has been reported previously in one individual with a cryopyrin-associated periodic syndrome who presented with adult onset symptoms including periodic fevers, arthralgias, and pleuropericarditis (Berman et al., 2014). This variant was not observed in approximately 6500 individuals of European and African American ancestry in the NHLBI Exome Sequencing Project, indicating it is not a common benign variant in these populations. The T544M variant is a non-conservative amino acid substitution, which is likely to impact secondary protein structure as these residues differ in polarity, charge, size and/or other properties. However, this substitution occurs at a position that is not conserved, and in silico analysis predicts this variant likely does not alter the protein structure/function. We interpret T544M as a variant of uncertain significance.

Literature cited by the submitters: PubMed 25417688 (cited by Labcorp Genetics (formerly Invitae), Labcorp); PubMed 25979514 (cited by Labcorp Genetics (formerly Invitae), Labcorp).